The following is an entry in ClinVar:

NM_007272.3(CTRC):c.799C>G (p.Gln267Glu)

Gene: CTRC (chymotrypsin C; plus strand). Cytogenetic location: 1p36.21.
Variant type: single nucleotide variant.
Coding change: c.799C>G on transcript NM_007272.3 (MANE Select); coding-DNA position 799, C replaced by G.
Protein change: p.Gln267Glu; replaces glutamine 267 with glutamic acid.
Molecular consequence: missense variant.
Genome position (GRCh38, 1-based): chr1:15,446,581, C>G. VCF-style: chr1-15446581-C-G. GRCh37 (hg19) VCF-style: chr1-15773076-C-G.
Other names: short protein forms Q267E.
Identifiers: ClinVar variation 3837294 (VCV003837294.1).

ClinVar aggregate classification (germline): Uncertain significance (1 of 4 stars; one submission).

Conditions:
Hereditary pancreatitis (PCTT). Also called: PRSS1-Related Hereditary Pancreatitis; Hereditary chronic pancreatitis. Identifiers: Orphanet 676, MedGen C0238339, MONDO:0008185, OMIM 167800.

Submission:

Ambry Genetics
Classification: Uncertain significance for Hereditary pancreatitis. Last evaluated: 2025-02-23. Review status: criteria provided, single submitter. Criteria: Ambry Variant Classification Scheme 2023. Collection method: clinical testing. Allele origin: germline.
Comment: The p.Q267E variant (also known as c.799C>G), located in coding exon 8 of the CTRC gene, results from a C to G substitution at nucleotide position 799. The glutamine at codon 267 is replaced by glutamic acid, an amino acid with highly similar properties. This amino acid position is conserved. In addition, the in silico prediction for this alteration is inconclusive. Based on the available evidence, the clinical significance of this variant remains unclear.